The following is an entry in ClinVar:

ClinVar aggregate classification (germline): Likely benign (1 of 4 stars; one submission).

gnomAD v4.1: 1,063 of 1,614,064 alleles (0.066%); highest among the groups gnomAD compares: Non-Finnish European, 0.079%; 2 homozygotes.

Submission:

CeGaT Center for Human Genetics Tuebingen
Classification: Likely benign. Last evaluated: 2025-12-01. Review status: criteria provided, single submitter. Criteria: CeGaT Center For Human Genetics Tuebingen Variant Classification Criteria Version 2. Collection method: clinical testing. Allele origin: germline. Affected: yes. Observed: 1 variant allele.
Comment: DNAH3: BP4

NM_001347886.2(DNAH3):c.5298A>G (p.Lys1766=)

Gene: DNAH3 (dynein axonemal heavy chain 3; minus strand). Cytogenetic location: 16p12.3.
Variant type: single nucleotide variant.
Coding change: c.5298A>G on transcript NM_001347886.2 (MANE Select); coding-DNA position 5298, A replaced by G.
Protein change: p.Lys1766=; no amino-acid change (lysine 1766 retained).
Molecular consequence: synonymous variant.
Genome position (GRCh38, 1-based): chr16:21,031,048, T>C on the plus strand (A>G on the coding strand, the complement: DNAH3 is on the minus strand). VCF-style: chr16-21031048-T-C. GRCh37 (hg19) VCF-style: chr16-21042370-T-C.
Other names: c.5436A>G, p.Lys1812= (NM_017539.2).
Identifiers: ClinVar variation 4681316 (VCV004681316.5).